The following is an entry in ClinVar:

NM_032447.5(FBN3):c.6419C>T (p.Thr2140Ile)

Gene: FBN3 (fibrillin 3; minus strand). Cytogenetic location: 19p13.2.
Variant type: single nucleotide variant.
Coding change: c.6419C>T on transcript NM_032447.5 (MANE Select); coding-DNA position 6419, C replaced by T.
Protein change: p.Thr2140Ile; replaces threonine 2140 with isoleucine.
Molecular consequence: missense variant.
Genome position (GRCh38, 1-based): chr19:8,088,137, G>A on the plus strand (C>T on the coding strand, the complement: FBN3 is on the minus strand). VCF-style: chr19-8088137-G-A. GRCh37 (hg19) VCF-style: chr19-8153021-G-A.
Other names: c.6419C>T, p.Thr2140Ile (NM_001321431.2); short protein forms T2140I.
Identifiers: ClinVar variation 3631921 (VCV003631921.2).

ClinVar aggregate classification (germline): Uncertain significance (1 of 4 stars; one submission).

gnomAD v4.1: 2 of 1,613,462 alleles (0.00012%); highest among the groups gnomAD compares: Non-Finnish European, 0.00017%; no homozygotes.

Submission:

Labcorp Genetics (formerly Invitae), Labcorp
Classification: Uncertain significance. Last evaluated: 2025-10-28. Review status: criteria provided, single submitter. Criteria: Invitae Variant Classification Sherloc (09022015). Collection method: clinical testing. Allele origin: germline.
Comment: This sequence change replaces threonine, which is neutral and polar, with isoleucine, which is neutral and non-polar, at codon 2140 of the FBN3 protein (p.Thr2140Ile). The frequency data for this variant in the population databases is considered unreliable, as metrics indicate poor data quality at this position in the gnomAD database. This variant has not been reported in the literature in individuals affected with FBN3-related conditions. ClinVar contains an entry for this variant (Variation ID: 3631921). Invitae Evidence Modeling of protein sequence and biophysical properties (such as structural, functional, and spatial information, amino acid conservation, physicochemical variation, residue mobility, and thermodynamic stability) indicates that this missense variant is expected to disrupt FBN3 protein function with a positive predictive value of 80%. In summary, the available evidence is currently insufficient to determine the role of this variant in disease. Therefore, it has been classified as a Variant of Uncertain Significance.